The following is an entry in ClinVar:

NM_005591.4(MRE11):c.1169C>T (p.Ala390Val)

Gene: MRE11 (MRE11 double strand break repair nuclease; minus strand). Cytogenetic location: 11q21.
Variant type: single nucleotide variant.
Coding change: c.1169C>T on transcript NM_005591.4 (MANE Select); coding-DNA position 1169, C replaced by T.
Protein change: p.Ala390Val; replaces alanine 390 with valine.
Molecular consequence: missense variant.
Genome position (GRCh38, 1-based): chr11:94,464,169, G>A on the plus strand (C>T on the coding strand, the complement: MRE11 is on the minus strand). VCF-style: chr11-94464169-G-A. GRCh37 (hg19) VCF-style: chr11-94197335-G-A.
Other names: c.1169C>T, p.Ala390Val (NM_001330347.2, NM_005590.4); short protein forms A390V.
Identifiers: ClinVar variation 232274 (VCV000232274.6), dbSNP rs876659665, ClinGen allele CA10579388.

ClinVar aggregate classification (germline): Uncertain significance. Review status: criteria provided, multiple submitters, no conflicts (2 of 4 stars). 2 submissions from 2 submitters: Uncertain significance (2). Last evaluated 2023-05-02.

Conditions:
Hereditary cancer-predisposing syndrome. Also called: Neoplastic Syndromes, Hereditary; Tumor predisposition; Hereditary Cancer Syndrome; Hereditary neoplastic syndrome. Identifiers: Orphanet 140162, MedGen C0027672, MeSH D009386, MONDO:0015356.

Submissions (2):

GeneDx
Classification: Uncertain significance. Last evaluated: 2023-05-02. Review status: criteria provided, single submitter. Criteria: GeneDx Variant Classification Process June 2021. Collection method: clinical testing. Allele origin: germline. Affected: yes.
Comment: Not observed at significant frequency in large population cohorts (gnomAD); In silico analysis supports that this missense variant has a deleterious effect on protein structure/function; Has not been previously published as pathogenic or benign to our knowledge; This variant is associated with the following publications: (PMID: 25794154)

Ambry Genetics
Classification: Uncertain significance for Hereditary cancer-predisposing syndrome. Last evaluated: 2015-06-08. Review status: criteria provided, single submitter. Criteria: Ambry Variant Classification Scheme 2023. Collection method: clinical testing. Allele origin: germline.
Comment: The p.A390V variant (also known as c.1169C>T), located in coding exon 10 of the MRE11A gene, results from a C to T substitution at nucleotide position 1169. The alanine at codon 390 is replaced by valine, an amino acid with similar properties. This variant was not reported in population based cohorts in the following databases: Database of Single Nucleotide Polymorphisms (dbSNP), NHLBI Exome Sequencing Project (ESP), and 1000 Genomes Project. In the ESP, this variant was not observed in 6499 samples (12998 alleles) with coverage at this position. To date, this alteration has been detected with an allele frequency of approximately 0.002% (greater than 65000 alleles tested) in our clinical cohort. This amino acid position is highly conserved in available vertebrate species. In addition, this alteration is predicted to be probably damaging and deleterious by PolyPhen and SIFT in silico analyses, respectively. Since supporting evidence is limited at this time, the clinical significance of p.A390V remains unclear.